The following is an entry in ClinVar:

NC_012920.1(MT-ND1):m.3685T>C

Gene: MT-ND1 (mitochondrially encoded NADH dehydrogenase 1; plus strand).
Variant type: single nucleotide variant.
Genome position: chrM-3685-T-C.
Identifiers: ClinVar variation 1328561 (VCV001328561.3), dbSNP rs1603219079, ClinGen allele CA414773304.

ClinVar aggregate classification (germline): Uncertain significance. Review status: reviewed by expert panel (3 of 4 stars). 2 submissions from 2 submitters: Uncertain significance (1). 1 of the submissions does not count toward it. Last evaluated 2024-10-28.

Conditions:
Leigh syndrome (NULS). Also called: Subacute necrotizing encephalopathy; Necrotizing encephalopathy infantile subacute of Leigh; Leigh's syndrome; LEIGH SYNDROME, NUCLEAR; Leigh's necrotizing encephalopathy; Leigh's disease. Identifiers: Orphanet 506, MedGen C2931891, MONDO:0009723, OMIM 256000.
Mitochondrial disease. Also called: Mitochondrial disorder; Mitochondrial disorders. Identifiers: Orphanet 68380, MedGen C0751651, MeSH D028361, MONDO:0044970.

Submissions (2):

ClinGen Mitochondrial Disease Nuclear and Mitochondrial  Variant Curation Expert Panel, ClinGen
Classification: Uncertain significance for Mitochondrial disease. Last evaluated: 2024-10-28. Review status: reviewed by expert panel. Criteria: clingen mito disease acmg specifications v1-1. Collection method: curation. Allele origin: germline. Inheritance: Mitochondrial inheritance.
Comment: Brain MRI showed bilateral asymmetric basal ganglia signal hyperintensities and MRS showed elevated lactate and glucose in the basal ganglia. Labs showed elevated lactate, alanine, and GDF15. Complex I activity was slightly reduced in skin fibroblasts. This variant is absent in the MITOMAP GenBank dataset, gnomAD v3.1.2, and the Helix dataset (PM2_supporting). The computational predictor APOGEE gives a consensus rating of pathogenic with a score of 0.750 (Min=0, Max=1), which predicts a damaging effect on gene function (PP3). There are no cybrids, single fiber studies, or other functional assays reported on this variant. In summary, this variant meets criteria to be classified as uncertain significance for primary mitochondrial disease inherited in a mitochondrial manner. This classification was approved by the NICHD/NINDS U24 ClinGen Mitochondrial Disease Variant Curation Expert Panel on October 28, 2024. Mitochondrial DNA-specific ACMG/AMP criteria applied (PMID: 32906214): PM6_supporting, PM2_supporting, PP3.

Center for Personalized Medicine, Children's Hospital Los Angeles
Classification: Likely pathogenic for Leigh syndrome. Last evaluated: 2021-12-21. Review status: criteria provided, single submitter. Criteria: Specifications of the ACMG/AMP standards and guidelines for mitochondrial DNA variant interpretation. Collection method: clinical testing. Allele origin: de novo. Inheritance: Mitochondrial inheritance. Affected: yes. Not counted in ClinVar's aggregate classification.